The following is an entry in ClinVar:

ClinVar aggregate classification (germline): Uncertain significance (1 of 4 stars; one submission).

Conditions:
Chédiak-Higashi syndrome (CHS). Also called: Chediak-Higashi Syndrome. Identifiers: Orphanet 167, MedGen C0007965, MONDO:0008963, OMIM 214500.

gnomAD v4.1: 1 of 1,613,932 alleles (0.000062%); highest among the groups gnomAD compares: Non-Finnish European, 0.000085%; no homozygotes.

Submission:

Labcorp Genetics (formerly Invitae), Labcorp
Classification: Uncertain significance for Chédiak-Higashi syndrome. Last evaluated: 2022-08-23. Review status: criteria provided, single submitter. Criteria: Invitae Variant Classification Sherloc (09022015). Collection method: clinical testing. Allele origin: germline.
Comment: Algorithms developed to predict the effect of missense changes on protein structure and function output the following: SIFT: "Tolerated"; PolyPhen-2: "Benign"; Align-GVGD: "Class C0". The valine amino acid residue is found in multiple mammalian species, which suggests that this missense change does not adversely affect protein function. In summary, the available evidence is currently insufficient to determine the role of this variant in disease. Therefore, it has been classified as a Variant of Uncertain Significance. This variant has not been reported in the literature in individuals affected with LYST-related conditions. This variant is not present in population databases (gnomAD no frequency). This sequence change replaces isoleucine, which is neutral and non-polar, with valine, which is neutral and non-polar, at codon 2397 of the LYST protein (p.Ile2397Val).

NM_000081.4(LYST):c.7189A>G (p.Ile2397Val)

Gene: LYST (lysosomal trafficking regulator; minus strand). Cytogenetic location: 1q42.3.
Variant type: single nucleotide variant.
Coding change: c.7189A>G on transcript NM_000081.4 (MANE Select); coding-DNA position 7189, A replaced by G.
Protein change: p.Ile2397Val; replaces isoleucine 2397 with valine.
Molecular consequence: missense variant.
Genome position (GRCh38, 1-based): chr1:235,755,518, T>C on the plus strand (A>G on the coding strand, the complement: LYST is on the minus strand). VCF-style: chr1-235755518-T-C. GRCh37 (hg19) VCF-style: chr1-235918818-T-C.
Other names: c.7189A>G, p.Ile2397Val (NM_001301365.1); short protein forms I2397V.
Identifiers: ClinVar variation 1936462 (VCV001936462.5), dbSNP rs1163196512, ClinGen allele CA344934294.